The following is an entry in ClinVar:

NM_001267550.2(TTN):c.106852A>G (p.Ile35618Val)

Genes: TTN-AS1 (TTN antisense RNA 1; plus strand), TTN (titin; minus strand). Cytogenetic location: 2q31.2.
Variant type: single nucleotide variant.
Coding change: c.106852A>G on transcript NM_001267550.2 (MANE Select); coding-DNA position 106852, A replaced by G.
Protein change: p.Ile35618Val; replaces isoleucine 35618 with valine.
Molecular consequence: missense variant.
Genome position (GRCh38, 1-based): chr2:178,528,899, T>C on the plus strand (A>G on the coding strand, the complement: TTN is on the minus strand). VCF-style: chr2-178528899-T-C. GRCh37 (hg19) VCF-style: chr2-179393626-T-C.
Other names: c.101929A>G, p.Ile33977Val (NM_001256850.1); c.79657A>G, p.Ile26553Val (NM_003319.4); c.99148A>G, p.Ile33050Val (NM_133378.4); c.80032A>G, p.Ile26678Val (NM_133432.3); c.80233A>G, p.Ile26745Val (NM_133437.4); short protein forms I26678V, I33050V, I26553V, I35618V, I26745V, I33977V.
Identifiers: ClinVar variation 1425958 (VCV001425958.7), dbSNP rs2154131431, ClinGen allele CA349402853.

ClinVar aggregate classification (germline): Uncertain significance. Review status: criteria provided, multiple submitters, no conflicts (2 of 4 stars). 2 submissions from 2 submitters: Uncertain significance (2). Last evaluated 2020-11-25.

Conditions:
Dilated cardiomyopathy 1G (CMD1G). Identifiers: Orphanet 154, MedGen C1858763, MONDO:0011400, OMIM 604145.
Autosomal recessive limb-girdle muscular dystrophy type 2J (LGMDR10). Also called: Limb-girdle muscular dystrophy, type 2J; MUSCULAR DYSTROPHY, LIMB-GIRDLE, AUTOSOMAL RECESSIVE 10. Identifiers: Orphanet 140922, MedGen C1837342, MONDO:0012127, OMIM 608807.

Submissions (2):

Labcorp Genetics (formerly Invitae), Labcorp
Classification: Uncertain significance for Dilated cardiomyopathy 1G; Autosomal recessive limb-girdle muscular dystrophy type 2J. Last evaluated: 2020-11-25. Review status: criteria provided, single submitter. Criteria: Invitae Variant Classification Sherloc (09022015). Collection method: clinical testing. Allele origin: germline.
Comment: Experimental studies and prediction algorithms are not available or were not evaluated, and the functional significance of this variant is currently unknown. This variant is located in the M band of TTN (PMID: 25589632). Variants in this region may be relevant for neuromuscular disorders, but have not been definitively shown to cause cardiomyopathy (PMID: 23975875). In summary, the available evidence is currently insufficient to determine the role of this variant in disease. Therefore, it has been classified as a Variant of Uncertain Significance. The valine amino acid residue is found in multiple mammalian species, suggesting that this missense change does not adversely affect protein function. These predictions have not been confirmed by published functional studies and their clinical significance is uncertain. This variant has not been reported in the literature in individuals with TTN-related conditions. This variant is not present in population databases (ExAC no frequency). This sequence change replaces isoleucine with valine at codon 35618 of the TTN protein (p.Ile35618Val). There is a small physicochemical difference between isoleucine and valine.

Breakthrough Genomics
Classification: Uncertain significance. Review status: criteria provided, single submitter. Criteria: ACMG Guidelines, 2015. Collection method: not provided. Allele origin: germline. Inheritance: Autosomal recessive inheritance. Affected: yes.

Literature cited by the submitters: PubMed 25589632 (cited by Labcorp Genetics (formerly Invitae), Labcorp); PubMed 23975875 (cited by Labcorp Genetics (formerly Invitae), Labcorp).